The following is an entry in ClinVar:

ClinVar aggregate classification (germline): Conflicting classifications of pathogenicity. Review status: criteria provided, conflicting classifications (1 of 4 stars). 6 submissions from 6 submitters: Uncertain significance (4); Likely benign (1). 1 of the submissions does not count toward it. Last evaluated 2025-06-04.

Conditions:
Hereditary cancer-predisposing syndrome. Also called: Neoplastic Syndromes, Hereditary; Tumor predisposition; Hereditary neoplastic syndrome; Hereditary Cancer Syndrome. Identifiers: Orphanet 140162, MedGen C0027672, MeSH D009386, MONDO:0015356.
Familial ovarian cancer. Identifiers: MedGen C5679802, MONDO:0016248.
Familial cancer of breast. Also called: BREAST CANCER, FAMILIAL; Hereditary breast cancer; hereditary breast carcinoma. Identifiers: Orphanet 227535, MedGen C0346153, MONDO:0016419, OMIM 114480. Disease mechanism: loss of function.

Allele frequency attached by ClinVar (database versions not stated): gnomAD 0.00001; gnomAD exomes 0.00001; TOPMed 0.00001.
gnomAD v4.1: 6 of 1,613,874 alleles (0.00037%); highest among the groups gnomAD compares: African/African-American, 0.004%; no homozygotes.

Submissions (6):

Labcorp Genetics (formerly Invitae), Labcorp
Classification: Uncertain significance for Familial cancer of breast. Last evaluated: 2025-06-04. Review status: criteria provided, single submitter. Criteria: Invitae Variant Classification Sherloc (09022015). Collection method: clinical testing. Allele origin: germline.
Comment: This sequence change replaces isoleucine, which is neutral and non-polar, with valine, which is neutral and non-polar, at codon 1139 of the PALB2 protein (p.Ile1139Val). This variant is not present in population databases (gnomAD no frequency). This variant has not been reported in the literature in individuals affected with PALB2-related conditions. ClinVar contains an entry for this variant (Variation ID: 823746). An algorithm developed to predict the effect of missense changes on protein structure and function outputs the following: PolyPhen-2: "Benign". The valine amino acid residue is found in multiple mammalian species, which suggests that this missense change does not adversely affect protein function. In summary, the available evidence is currently insufficient to determine the role of this variant in disease. Therefore, it has been classified as a Variant of Uncertain Significance.

Women's Health and Genetics/Laboratory Corporation of America, LabCorp
Classification: Uncertain significance. Last evaluated: 2024-06-17. Review status: criteria provided, single submitter. Criteria: LabCorp Variant Classification Summary - May 2015. Collection method: clinical testing. Allele origin: germline.
Comment: Variant summary: PALB2 c.3415A>G (p.Ile1139Val) results in a conservative amino acid change located in the Partner and localiser of BRCA2, WD40 domain (IPR031920) of the encoded protein sequence. Five of five in-silico tools predict a benign effect of the variant on protein function. The variant was absent in 251468 control chromosomes. The available data on variant occurrences in the general population are insufficient to allow any conclusion about variant significance. c.3415A>G has been reported in the literature in one individual affected with Fanconi anemia, without strong evidence for causality (George_2021). These report(s) do not provide unequivocal conclusions about association of the variant with Breast Cancer. To our knowledge, no experimental evidence demonstrating an impact on protein function has been reported. The following publication has been ascertained in the context of this evaluation (PMID: 34585473). ClinVar contains an entry for this variant (Variation ID: 823746). Based on the evidence outlined above, the variant was classified as uncertain significance.

GeneDx
Classification: Uncertain significance. Last evaluated: 2024-05-01. Review status: criteria provided, single submitter. Criteria: GeneDx Variant Classification Process June 2021. Collection method: clinical testing. Allele origin: germline. Affected: yes.
Comment: Not observed at significant frequency in large population cohorts (gnomAD); In silico analysis indicates that this missense variant does not alter protein structure/function; Has not been previously published as pathogenic or benign to our knowledge; This variant is associated with the following publications: (PMID: 33195396, 24485656, 19609323, 20871615, 34585473)

Johns Hopkins Genomics, Johns Hopkins University
Classification: Uncertain significance for Familial cancer of breast. Last evaluated: 2021-11-16. Review status: criteria provided, single submitter. Criteria: ACMG Guidelines, 2015. Collection method: clinical testing. Allele origin: germline.

Ambry Genetics
Classification: Likely benign for Hereditary cancer-predisposing syndrome. Last evaluated: 2018-05-10. Review status: criteria provided, single submitter. Criteria: Ambry Variant Classification Scheme 2023. Collection method: clinical testing. Allele origin: germline.

Department of Pathology and Laboratory Medicine, Sinai Health System
Classification: Uncertain significance for Familial ovarian cancer. Review status: no assertion criteria provided. Collection method: clinical testing. Allele origin: unknown. Affected: yes. Study: The Canadian Open Genetics Repository (COGR). Not counted in ClinVar's aggregate classification.
Comment: The PALB2 p.Ile1139Val variant was not identified in the literature nor was it identified in the ClinVar, LOVD 3.0, Exome Aggregation Consortium (August 8th 2016) and Genome Aggregation Database (Feb 27, 2017). The variant was identified in dbSNP (rs1249960937). The p.Ile1139 residue is not conserved in mammals and computational analyses (PolyPhen-2, SIFT, AlignGVGD, BLOSUM, MutationTaster) do not suggest a high likelihood of impact to the protein; however, this information is not predictive enough to rule out pathogenicity. The variant occurs outside of the splicing consensus sequence and in silico or computational prediction software programs (SpliceSiteFinder, MaxEntScan, NNSPLICE, GeneSplicer) do not predict a difference in splicing. In summary, based on the above information the clinical significance of this variant cannot be determined with certainty at this time. This variant is classified as a variant of uncertain significance.

Literature cited by the submitters: PubMed 34585473 (cited by Women's Health and Genetics/Laboratory Corporation of America, LabCorp); PubMed 33195396 (cited by Johns Hopkins Genomics, Johns Hopkins University).

NM_024675.4(PALB2):c.3415A>G (p.Ile1139Val)

Gene: PALB2 (partner and localizer of BRCA2; minus strand). Cytogenetic location: 16p12.2.
Variant type: single nucleotide variant.
Coding change: c.3415A>G on transcript NM_024675.4 (MANE Select); coding-DNA position 3415, A replaced by G.
Protein change: p.Ile1139Val; replaces isoleucine 1139 with valine.
Molecular consequence: missense variant.
Genome position (GRCh38, 1-based): chr16:23,603,605, T>C on the plus strand (A>G on the coding strand, the complement: PALB2 is on the minus strand). VCF-style: chr16-23603605-T-C. GRCh37 (hg19) VCF-style: chr16-23614926-T-C.
Other names: short protein forms I1139V.
Identifiers: ClinVar variation 823746 (VCV000823746.15), dbSNP rs1249960937, ClinGen allele CA395138220.